The following is an entry in ClinVar:

ClinVar aggregate classification (germline): Conflicting classifications of pathogenicity. Review status: criteria provided, conflicting classifications (1 of 4 stars). 2 submissions from 2 submitters: Uncertain significance (1); Likely benign (1). Last evaluated 2026-09-01.

Submissions (2):

CeGaT Center for Human Genetics Tuebingen
Classification: Likely benign. Last evaluated: 2026-09-01. Review status: criteria provided, single submitter. Criteria: CeGaT Center For Human Genetics Tuebingen Variant Classification Criteria Version 2. Collection method: clinical testing. Allele origin: germline. Affected: yes. Observed: 2 variant alleles.
Comment: DEAF1: BS2

Labcorp Genetics (formerly Invitae), Labcorp
Classification: Uncertain significance. Last evaluated: 2021-04-27. Review status: criteria provided, single submitter. Criteria: Invitae Variant Classification Sherloc (09022015). Collection method: clinical testing. Allele origin: germline.
Comment: In summary, the available evidence is currently insufficient to determine the role of this variant in disease. Therefore, it has been classified as a Variant of Uncertain Significance. Experimental studies and prediction algorithms are not available or were not evaluated, and the functional significance of this variant is currently unknown. This variant has not been reported in the literature in individuals with DEAF1-related conditions. This variant is present in population databases (rs766934551, ExAC 0.6%). This variant, c.69_98del, results in the deletion of 10 amino acid(s) of the DEAF1 protein (p.Ala24_Ala33del), but otherwise preserves the integrity of the reading frame.

NM_021008.4(DEAF1):c.69_98del (p.Ala24_Ala33del)

Gene: DEAF1 (DEAF1 transcription factor; minus strand). Cytogenetic location: 11p15.5.
Variant type: Deletion.
Coding change: c.69_98del on transcript NM_021008.4 (MANE Select); coding-DNA positions 69 to 98, 30 bases deleted (CGCTGTGGCGGCGGCGGCCGCGGCCGCGGC).
Protein change: p.Ala24_Ala33del.
Molecular consequence: inframe deletion. On other transcripts: inframe indel (1), intron variant (1).
Genome position (GRCh38, 1-based): chr11:694,950-694,979, GCCGCGGCCGCGGCCGCCGCCGCCACAGCG deleted on the plus strand (CGCTGTGGCGGCGGCGGCCGCGGCCGCGGC on the coding strand, the reverse complement: DEAF1 is on the minus strand); deleting any 30 consecutive bases within chr11:694,950-694,990 gives the same sequence; the c. name uses the placement nearest the transcript's 3' end. VCF-style (leftmost placement, unchanged base first): chr11-694949-TGCCGCGGCCGCGGCCGCCGCCGCCACAGCG-T. GRCh37 (hg19) VCF-style: chr11-694949-TGCCGCGGCCGCGGCCGCCGCCGCCACAGCG-T.
Other names: c.58_87del30, p.Ala24_Ala33del (NM_001293634.2); c.-437-3381_-437-3352del (NM_001367390.1).
Identifiers: ClinVar variation 2103159 (VCV002103159.8), dbSNP rs754135731, ClinGen allele CA5786658.